The following is an entry in ClinVar:

ClinVar aggregate classification (germline): Uncertain significance (1 of 4 stars; one submission).

Submission:

Labcorp Genetics (formerly Invitae), Labcorp
Classification: Uncertain significance. Last evaluated: 2022-06-20. Review status: criteria provided, single submitter. Criteria: Invitae Variant Classification Sherloc (09022015). Collection method: clinical testing. Allele origin: germline.
Comment: This sequence change replaces glycine, which is neutral and non-polar, with arginine, which is basic and polar, at codon 330 of the USH1G protein (p.Gly330Arg). This variant is not present in population databases (gnomAD no frequency). In summary, the available evidence is currently insufficient to determine the role of this variant in disease. Therefore, it has been classified as a Variant of Uncertain Significance. Algorithms developed to predict the effect of missense changes on protein structure and function are either unavailable or do not agree on the potential impact of this missense change (SIFT: "Not Available"; PolyPhen-2: "Benign"; Align-GVGD: "Not Available"). This variant has not been reported in the literature in individuals affected with USH1G-related conditions.

NM_173477.5(USH1G):c.988G>C (p.Gly330Arg)

Gene: USH1G (USH1 protein network component sans; minus strand). Cytogenetic location: 17q25.1.
Variant type: single nucleotide variant.
Coding change: c.988G>C on transcript NM_173477.5 (MANE Select); coding-DNA position 988, G replaced by C.
Protein change: p.Gly330Arg; replaces glycine 330 with arginine.
Molecular consequence: missense variant.
Genome position (GRCh38, 1-based): chr17:74,919,848, C>G on the plus strand (G>C on the coding strand, the complement: USH1G is on the minus strand). VCF-style: chr17-74919848-C-G. GRCh37 (hg19) VCF-style: chr17-72915943-C-G.
Other names: c.679G>C, p.Gly227Arg (NM_001282489.3); short protein forms G330R, G227R.
Identifiers: ClinVar variation 2005661 (VCV002005661.4), dbSNP rs2544428865, ClinGen allele CA400962140.